The following is an entry in ClinVar:

NM_006218.4(PIK3CA):c.1876G>A (p.Asp626Asn)

Gene: PIK3CA (phosphatidylinositol-4,5-bisphosphate 3-kinase catalytic subunit alpha; plus strand). Cytogenetic location: 3q26.32.
Variant type: single nucleotide variant.
Coding change: c.1876G>A on transcript NM_006218.4 (MANE Select); coding-DNA position 1876, G replaced by A.
Protein change: p.Asp626Asn; replaces aspartic acid 626 with asparagine.
Molecular consequence: missense variant.
Genome position (GRCh38, 1-based): chr3:179,219,700, G>A. VCF-style: chr3-179219700-G-A. GRCh37 (hg19) VCF-style: chr3-178937488-G-A.
Other names: short protein forms D626N.
Identifiers: ClinVar variation 135037 (VCV000135037.1), dbSNP rs3908109, ClinGen allele CA161487.
Genomic context (GRCh38, chr3:179,219,700, plus strand): 5'-TACCCAGATCCTATGGTTCGAGGTTTTGCTGTTCGGTGCTTGGAAAAATATTTAACAGAT[G>A]ACAAACTTTCTCAGTATTTAATTCAGCTAGTACAGGTAAAATAATGTAAAATAGTAAATA-3'
Protein context (NP_006209.2, residues 616-636): VRCLEKYLTD[Asp626Asn]KLSQYLIQLV

ClinVar aggregate classification (germline): not provided (0 of 4 stars; one submission).

Submission:

ITMI
No classification provided. Condition: AllHighlyPenetrant. Last evaluated: 2013-09-19. Review status: no classification provided. Collection method: reference population. Allele origin: germline.
Comment: Please see associated publication for description of ethnicities

Literature cited by the submitters: PubMed 24728327.